The following is an entry in ClinVar:

NM_001372076.1(PAX9):c.959C>T (p.Ser320Leu)

Gene: PAX9 (paired box 9; plus strand). Cytogenetic location: 14q13.3.
Variant type: single nucleotide variant.
Coding change: c.959C>T on transcript NM_001372076.1 (MANE Select); coding-DNA position 959, C replaced by T.
Protein change: p.Ser320Leu; replaces serine 320 with leucine.
Molecular consequence: missense variant.
Genome position (GRCh38, 1-based): chr14:36,676,385, C>T. VCF-style: chr14-36676385-C-T. GRCh37 (hg19) VCF-style: chr14-37145590-C-T.
Other names: c.959C>T, p.Ser320Leu (NM_006194.4); short protein forms S320L.
Identifiers: ClinVar variation 1037706 (VCV001037706.9), dbSNP rs771366081, ClinGen allele CA7159121.
Genomic context (GRCh38, chr14:36,676,385, plus strand): 5'-ATGGGTGGCAACATGCTGGGGGCACCTCATTGTCTCCCCACAACTGTGACATTCCGGCAT[C>T]GCTGGCGTTCAAGGGAATGCAGGCAGCCAGAGAAGGTAGTCATTCTGTCACGGCTTCCGC-3'
Protein context (NP_001359005.1, residues 310-330): LSPHNCDIPA[Ser320Leu]LAFKGMQAAR

ClinVar aggregate classification (germline): Uncertain significance (1 of 4 stars; one submission).

Conditions:
Hypodontia. Also called: Partial congenital absence of teeth; TOOTH AGENESIS, FAMILIAL; Tooth agenesis, selective. Identifiers: Orphanet 99798, MedGen C0020608, MONDO:0005486, HP:0000668. Disease mechanism: loss of function.

Allele frequency attached by ClinVar (database versions not stated): ExAC 0.00001.
gnomAD v4.1: 11 of 1,614,132 alleles (0.00068%); highest among the groups gnomAD compares: South Asian, 0.0033%; no homozygotes.

Submission:

Labcorp Genetics (formerly Invitae), Labcorp
Classification: Uncertain significance for Hypodontia. Last evaluated: 2020-08-27. Review status: criteria provided, single submitter. Criteria: Invitae Variant Classification Sherloc (09022015). Collection method: clinical testing. Allele origin: germline.
Comment: This sequence change replaces serine with leucine at codon 320 of the PAX9 protein (p.Ser320Leu). The serine residue is highly conserved and there is a large physicochemical difference between serine and leucine. This variant is present in population databases (rs771366081, ExAC 0.01%). This variant has not been reported in the literature in individuals with PAX9-related conditions. Algorithms developed to predict the effect of missense changes on protein structure and function are either unavailable or do not agree on the potential impact of this missense change (SIFT: "Deleterious"; PolyPhen-2: "Benign"; Align-GVGD: "Class C0"). In summary, the available evidence is currently insufficient to determine the role of this variant in disease. Therefore, it has been classified as a Variant of Uncertain Significance.